The following is an entry in ClinVar:

ClinVar aggregate classification (germline): Uncertain significance. Review status: criteria provided, multiple submitters, no conflicts (2 of 4 stars). 2 submissions from 2 submitters: Uncertain significance (2). Last evaluated 2023-03-16.

Submissions (2):

Revvity Omics, Revvity
Classification: Uncertain significance. Last evaluated: 2023-03-16. Review status: criteria provided, single submitter. Criteria: ACMG Guidelines, 2015. Collection method: clinical testing. Allele origin: germline.

Women's Health and Genetics/Laboratory Corporation of America, LabCorp
Classification: Uncertain significance. Last evaluated: 2022-06-06. Review status: criteria provided, single submitter. Criteria: LabCorp Variant Classification Summary - May 2015. Collection method: clinical testing. Allele origin: germline.
Comment: Variant summary: FBN1 c.1526G>T (p.Gly509Val) results in a non-conservative amino acid change located in the EGF-like domain of the encoded protein sequence. Five of five in-silico tools predict a damaging effect of the variant on protein function. The variant was absent in 251280 control chromosomes. The available data on variant occurrences in the general population are insufficient to allow any conclusion about variant significance. To our knowledge, no occurrence of c.1526G>T in individuals affected with Marfan Syndrome and no experimental evidence demonstrating its impact on protein function have been reported. No clinical diagnostic laboratories have submitted clinical-significance assessments for this variant to ClinVar after 2014. Based on the evidence outlined above, the variant was classified as uncertain significance.

NM_000138.5(FBN1):c.1526G>T (p.Gly509Val)

Gene: FBN1 (fibrillin 1; minus strand). Cytogenetic location: 15q21.1.
Variant type: single nucleotide variant.
Coding change: c.1526G>T on transcript NM_000138.5 (MANE Select); coding-DNA position 1526, G replaced by T.
Protein change: p.Gly509Val; replaces glycine 509 with valine.
Molecular consequence: missense variant.
Genome position (GRCh38, 1-based): chr15:48,513,611, C>A on the plus strand (G>T on the coding strand, the complement: FBN1 is on the minus strand). VCF-style: chr15-48513611-C-A. GRCh37 (hg19) VCF-style: chr15-48805808-C-A.
Other names: short protein forms G509V.
Identifiers: ClinVar variation 1698481 (VCV001698481.3), dbSNP rs2141327790, ClinGen allele CA392342483.